The following is an entry in ClinVar:

NM_000059.4(BRCA2):c.5205_5208del (p.Gln1736fs)

Gene: BRCA2 (BRCA2 DNA repair associated; plus strand). Cytogenetic location: 13q13.1.
Variant type: Deletion.
Coding change: c.5205_5208del on transcript NM_000059.4 (MANE Select); coding-DNA positions 5205 to 5208, 4 bases deleted (ACAA; older notation c.5205_5208delACAA).
Protein change: p.Gln1736fs; shifts the reading frame from glutamine 1736.
Molecular consequence: frameshift variant.
Genome position (GRCh38, 1-based): chr13:32,339,560-32,339,563, ACAA deleted; deleting any 4 consecutive bases within chr13:32,339,558-32,339,563 gives the same sequence; the c. name uses the placement nearest the transcript's 3' end. VCF-style (leftmost placement, unchanged base first): chr13-32339557-AAAAC-A. GRCh37 (hg19) VCF-style: chr13-32913694-AAAAC-A.
Other names: 5433_5436del4; c.5205_5208delACAA (NM_000059.3).
Identifiers: ClinVar variation 266858 (VCV000266858.12), dbSNP rs886040575, ClinGen allele CA10589295.

ClinVar aggregate classification (germline): Pathogenic. Review status: reviewed by expert panel (3 of 4 stars). 4 submissions from 4 submitters: Pathogenic (1). 3 of the submissions do not count toward it. Last evaluated 2016-10-18.

Conditions:
Hereditary cancer-predisposing syndrome. Also called: Hereditary neoplastic syndrome; Neoplastic Syndromes, Hereditary; Tumor predisposition; Hereditary Cancer Syndrome. Identifiers: Orphanet 140162, MedGen C0027672, MeSH D009386, MONDO:0015356.
Breast-ovarian cancer, familial, susceptibility to, 2 (BROVCA2). Also called: BRCA2 Hereditary Breast and Ovarian Cancer. Identifiers: Orphanet 145, MedGen C2675520, MONDO:0012933, OMIM 612555. Disease mechanism: loss of function.
Hereditary breast ovarian cancer syndrome. Also called: BRCA1- and BRCA2-Associated Hereditary Breast and Ovarian Cancer; Hereditary breast and ovarian cancer; Breast and ovarian cancer; Hereditary breast and/or ovarian cancer syndrome; Hereditary breast and ovarian cancer syndrome; Hereditary breast and ovarian cancer syndrome (HBOC). Identifiers: Orphanet 145, MedGen C0677776, MeSH D061325, MONDO:0003582. Disease mechanism: loss of function.

Submissions (4):

Evidence-based Network for the Interpretation of Germline Mutant Alleles (ENIGMA)
Classification: Pathogenic for Breast-ovarian cancer, familial, susceptibility to, 2. Last evaluated: 2016-10-18. Review status: reviewed by expert panel. Criteria: ENIGMA BRCA1/2 Classification Criteria (2015). Collection method: curation. Allele origin: germline.
Comment: Variant allele predicted to encode a truncated non-functional protein.

Color Diagnostics, LLC DBA Color Health
Classification: Pathogenic for Hereditary cancer-predisposing syndrome. Last evaluated: 2024-07-16. Review status: criteria provided, single submitter. Criteria: ACMG Guidelines, 2015. Collection method: clinical testing. Allele origin: germline. Not counted in ClinVar's aggregate classification.
Comment: This variant deletes 4 nucleotides in exon 11 of the BRCA2 gene, creating a frameshift and premature translation stop signal. This variant is expected to result in an absent or non-functional protein product. This variant has been reported in an individual affected with breast cancer (PMID: 32772980). This variant has not been identified in the general population by the Genome Aggregation Database (gnomAD). Loss of BRCA2 function is a known mechanism of disease. Based on the available evidence, this variant is classified as Pathogenic.

Ambry Genetics
Classification: Pathogenic for Hereditary cancer-predisposing syndrome. Last evaluated: 2023-11-15. Review status: criteria provided, single submitter. Criteria: Ambry Variant Classification Scheme 2023. Collection method: clinical testing. Allele origin: germline. Not counted in ClinVar's aggregate classification.
Comment: The c.5205_5208delACAA pathogenic mutation, located in coding exon 10 of the BRCA2 gene, results from a deletion of 4 nucleotides at nucleotide positions 5205 to 5208, causing a translational frameshift with a predicted alternate stop codon (p.Q1736Ifs*4). This alteration is expected to result in loss of function by premature protein truncation or nonsense-mediated mRNA decay. As such, this alteration is interpreted as a disease-causing mutation.

Labcorp Genetics (formerly Invitae), Labcorp
Classification: Pathogenic for Hereditary breast ovarian cancer syndrome. Last evaluated: 2021-09-25. Review status: criteria provided, single submitter. Criteria: Invitae Variant Classification Sherloc (09022015). Collection method: clinical testing. Allele origin: germline. Not counted in ClinVar's aggregate classification.
Comment: This sequence change creates a premature translational stop signal (p.Gln1736Ilefs*4) in the BRCA2 gene. It is expected to result in an absent or disrupted protein product. This variant is not present in population databases (ExAC no frequency). This variant has not been reported in the literature in individuals with BRCA2-related disease. ClinVar contains an entry for this variant (Variation ID: 266858). Loss-of-function variants in BRCA2 are known to be pathogenic (PMID: 20104584). For these reasons, this variant has been classified as Pathogenic.

Literature cited by the submitters: PubMed 32772980 (cited by Color Diagnostics, LLC DBA Color Health); PubMed 20104584 (cited by Labcorp Genetics (formerly Invitae), Labcorp).